The following is an entry in ClinVar:

ClinVar aggregate classification (germline): Likely benign. Review status: criteria provided, multiple submitters, no conflicts (2 of 4 stars). 3 submissions from 3 submitters: Likely benign (2). 1 of the submissions does not count toward it. Last evaluated 2026-01-18.

Conditions:
DTHD1-related disorder. Also called: DTHD1-related condition.

Allele frequency attached by ClinVar (database versions not stated): gnomAD exomes 0.00020 and 0.00027; ExAC 0.00036; gnomAD 0.00132 and 0.00140; 1000 Genomes Project 0.00140; 1000 Genomes Project 30x 0.00141; TOPMed 0.00150.
gnomAD v4.1: 500 of 1,550,942 alleles (0.032%); highest among the groups gnomAD compares: African/African-American, 0.43%; no homozygotes.

Submissions (3):

Labcorp Genetics (formerly Invitae), Labcorp
Classification: Likely benign. Last evaluated: 2026-01-18. Review status: criteria provided, single submitter. Criteria: Invitae Variant Classification Sherloc (09022015). Collection method: clinical testing. Allele origin: germline.

Blueprint Genetics
Classification: Likely benign. Last evaluated: 2024-08-08. Review status: criteria provided, single submitter. Criteria: ACMG Guidelines, 2015. Collection method: clinical testing. Allele origin: germline.

PreventionGenetics, part of Exact Sciences
Classification: Likely benign for DTHD1-related condition. Last evaluated: 2022-03-02. Review status: no assertion criteria provided. Collection method: clinical testing. Allele origin: germline. Not counted in ClinVar's aggregate classification.
Comment: This variant is classified as likely benign based on ACMG/AMP sequence variant interpretation guidelines (Richards et al. 2015 PMID: 25741868, with internal and published modifications).

NM_001170700.3(DTHD1):c.2686G>A (p.Glu896Lys)

Gene: DTHD1 (death domain containing 1; plus strand). Cytogenetic location: 4p14.
Variant type: single nucleotide variant.
Coding change: c.2686G>A on transcript NM_001170700.3 (MANE Select); coding-DNA position 2686, G replaced by A.
Protein change: p.Glu896Lys; replaces glutamic acid 896 with lysine.
Molecular consequence: missense variant. On other transcripts: synonymous variant (1), non-coding transcript variant (2).
Genome position (GRCh38, 1-based): chr4:36,343,789, G>A. VCF-style: chr4-36343789-G-A. GRCh37 (hg19) VCF-style: chr4-36345411-G-A.
Other names: c.1816G>A, p.Glu606Lys (NM_001136536.5); c.1695G>A, p.Leu565= (NM_001378435.1); c.1816G>A (NM_001136536.4); short protein forms E606K, E896K.
Identifiers: ClinVar variation 1090680 (VCV001090680.12), dbSNP rs529961646, ClinGen allele CA2885766.
Genomic context (GRCh38, chr4:36,343,789, plus strand): 5'-ATTGGCAGGAGTGATCTTGCAGAAGAGCTCAAATTCAAGTGGGAAAATAAAGTGTTCACT[G>A]AACCACAGCAGTGTTTTGATGTAGCCCCTGAGTAAAAGCCTGATCTCTCTTCCTTTACCC-3'
Protein context (NP_001164171.2, residues 886-906): KFKWENKVFT[Glu896Lys]PQQCFDVAPE